The following is an entry in ClinVar:

ClinVar aggregate classification (germline): Uncertain significance (1 of 4 stars; one submission).

Submission:

Labcorp Genetics (formerly Invitae), Labcorp
Classification: Uncertain significance. Last evaluated: 2024-06-25. Review status: criteria provided, single submitter. Criteria: Invitae Variant Classification Sherloc (09022015). Collection method: clinical testing. Allele origin: germline.
Comment: This sequence change affects codon 267 of the POLE mRNA. It is a 'silent' change, meaning that it does not change the encoded amino acid sequence of the POLE protein. It affects a nucleotide within the consensus splice site. This variant is not present in population databases (gnomAD no frequency). This variant has not been reported in the literature in individuals affected with POLE-related conditions. Algorithms developed to predict the effect of sequence changes on RNA splicing suggest that this variant is not likely to affect RNA splicing. In summary, the available evidence is currently insufficient to determine the role of this variant in disease. Therefore, it has been classified as a Variant of Uncertain Significance.

NM_006231.4(POLE):c.801T>C (p.Pro267=)

Gene: POLE (DNA polymerase epsilon, catalytic subunit; minus strand). Cytogenetic location: 12q24.33.
Variant type: single nucleotide variant.
Coding change: c.801T>C on transcript NM_006231.4 (MANE Select); coding-DNA position 801, T replaced by C.
Protein change: p.Pro267=; no amino-acid change (proline 267 retained).
Molecular consequence: synonymous variant.
Genome position (GRCh38, 1-based): chr12:132,677,363, A>G on the plus strand (T>C on the coding strand, the complement: POLE is on the minus strand). VCF-style: chr12-132677363-A-G. GRCh37 (hg19) VCF-style: chr12-133253949-A-G.
Identifiers: ClinVar variation 2750052 (VCV002750052.3), dbSNP rs2542176334, ClinGen allele CA482849793.